The following is an entry in ClinVar:

ClinVar aggregate classification (germline): Uncertain significance (1 of 4 stars; one submission).

Conditions:
Cardiomyopathy (CMYO). Also called: Cardiomyopathies. Identifiers: Orphanet 167848, MedGen C0878544, MONDO:0004994, HP:0001638. Inheritance: Various modes of inheritance.

gnomAD v4.1: 1 of 1,613,920 alleles (0.000062%); highest among the groups gnomAD compares: Admixed American, 0.0017%; no homozygotes.

Submission:

Color Diagnostics, LLC DBA Color Health
Classification: Uncertain significance for Cardiomyopathy. Last evaluated: 2025-07-08. Review status: criteria provided, single submitter. Criteria: ACMG Guidelines, 2015. Collection method: clinical testing. Allele origin: germline.
Comment: This missense variant replaces threonine with serine at codon 2188 of the RYR2 protein. Computational prediction suggests that this variant may not impact protein structure and function. To our knowledge, functional studies have not been reported for this variant. This variant has not been reported in individuals affected with RYR2-related disorders in the literature. This variant has been identified in 1/249202 chromosomes in the general population by the Genome Aggregation Database (gnomAD). The available evidence is insufficient to determine the role of this variant in disease conclusively. Therefore, this variant is classified as a Variant of Uncertain Significance.

NM_001035.3(RYR2):c.6563C>G (p.Thr2188Ser)

Gene: RYR2 (ryanodine receptor 2; plus strand). Cytogenetic location: 1q43.
Variant type: single nucleotide variant.
Coding change: c.6563C>G on transcript NM_001035.3 (MANE Select); coding-DNA position 6563, C replaced by G.
Protein change: p.Thr2188Ser; replaces threonine 2188 with serine.
Molecular consequence: missense variant.
Genome position (GRCh38, 1-based): chr1:237,633,585, C>G. VCF-style: chr1-237633585-C-G. GRCh37 (hg19) VCF-style: chr1-237796885-C-G.
Other names: short protein forms T2188S.
Identifiers: ClinVar variation 4758923 (VCV004758923.1).
Genomic context (GRCh38, chr1:237,633,585, plus strand): 5'-AATTTTATAAAGGTCGTTTGCTTTCAGCAGCTAATGACATGCTTTATCTGTAGGAAATCA[C>G]CTTTCCCAAGATGGTGGCCAACTGTTGCCGTTTTCTCTGTTACTTCTGTCGTATAAGTAG-3'
Protein context (NP_001026.2, residues 2178-2198): VLGGGESKEI[Thr2188Ser]FPKMVANCCR